The following is an entry in ClinVar:

NM_000517.6(HBA2):c.95+2T>C

Genes: HBA2 (hemoglobin subunit alpha 2; plus strand), LOC106804612 (hemoglobin subunit alpha 2 recombination region; plus strand). Cytogenetic location: 16p13.3.
Variant type: single nucleotide variant.
Coding change: c.95+2T>C on transcript NM_000517.6 (MANE Select); the canonical splice donor site of the intron after coding-DNA position 95, T replaced by C.
Molecular consequence: splice donor variant.
Genome position (GRCh38, 1-based): chr16:173,009, T>C. VCF-style: chr16-173009-T-C. GRCh37 (hg19) VCF-style: chr16-223008-T-C.
Identifiers: ClinVar variation 4818680 (VCV004818680.1).
Genomic context (GRCh38, chr16:173,009, plus strand): 5'-GCCGCCTGGGGTAAGGTCGGCGCGCACGCTGGCGAGTATGGTGCGGAGGCCCTGGAGAGG[T>C]GAGGCTCCCTCCCCTGCTCCGACCCGGGCTCCTCGCCCGCCCGGACCCACAGGCCACCCT-3'

ClinVar aggregate classification (germline): Pathogenic (1 of 4 stars; one submission).

Conditions:
alpha Thalassemia. Also called: Alpha thalassemia spectrum. Identifiers: Orphanet 846, MedGen C0002312, MONDO:0011399, OMIM 604131.

Submission:

Natera, Inc.
Classification: Pathogenic for Alpha thalassemia. Last evaluated: 2025-03-04. Review status: criteria provided, single submitter. Criteria: Natera Variant Classification Schema (03/2026). Collection method: clinical testing. Allele origin: germline.
Comment: The c.95+2T>C variant in HBA2 is a canonical splice donor site variant predicted to affect pre-mRNA splicing, which may result in an abnormal transcript and altered protein product. This variant is expected to result in nonsense mediated decay, truncation, or a dysfunctional protein product. This variant is rare in the general population with a frequency below the threshold expected for the associated phenotype(s). Another variant at this same site results in an alteration predicted to cause a similar molecular effect has been observed in individual(s) with the associated phenotype. Given the available evidence, this variant is classified as Pathogenic.